The following is an entry in ClinVar:

NM_021870.3(FGG):c.1054T>A (p.Cys352Ser)

Gene: FGG (fibrinogen gamma chain; minus strand). Cytogenetic location: 4q32.1.
Variant type: single nucleotide variant.
Coding change: c.1054T>A on transcript NM_021870.3 (MANE Select); coding-DNA position 1054, T replaced by A.
Protein change: p.Cys352Ser; replaces cysteine 352 with serine.
Molecular consequence: missense variant.
Genome position (GRCh38, 1-based): chr4:154,606,780, A>T on the plus strand (T>A on the coding strand, the complement: FGG is on the minus strand). VCF-style: chr4-154606780-A-T. GRCh37 (hg19) VCF-style: chr4-155527932-A-T.
Other names: p.Cys352Ser; c.1054T>A, p.Cys352Ser (NM_000509.6); short protein forms C352S.
Identifiers: ClinVar variation 4541012 (VCV004541012.1).

ClinVar aggregate classification (germline): Pathogenic (1 of 4 stars; one submission).

Submission:

Mayo Clinic Laboratories, Mayo Clinic
Classification: Pathogenic. Last evaluated: 2025-03-21. Review status: criteria provided, single submitter. Criteria: ACMG Guidelines, 2015. Collection method: clinical testing. Allele origin: germline. Observed: 1 variant allele.
Comment: PP3_strong, PM1, PM2_supporting, PS1, PS3, PS4_moderate

Literature cited by the submitters: PubMed 14996011; PubMed 19419756; PubMed 28211264; PubMed 30349899; PubMed 34117991; PubMed 37200649; PubMed 8939956.